The following is an entry in ClinVar:

ClinVar aggregate classification (germline): Uncertain significance. Review status: criteria provided, multiple submitters, no conflicts (2 of 4 stars). 2 submissions from 2 submitters: Uncertain significance (2). Last evaluated 2025-03-21.

gnomAD v4.1: 1 of 1,612,418 alleles (0.000062%); highest among the groups gnomAD compares: Non-Finnish European, 0.000085%; no homozygotes.

Submissions (2):

GeneDx
Classification: Uncertain significance. Last evaluated: 2025-03-21. Review status: criteria provided, single submitter. Criteria: GeneDx Variant Classification Process June 2021. Collection method: clinical testing. Allele origin: germline. Affected: yes.
Comment: Not observed at significant frequency in large population cohorts (gnomAD); In silico analysis supports that this missense variant has a deleterious effect on protein structure/function; Has not been previously published as pathogenic or benign to our knowledge

Blueprint Genetics
Classification: Uncertain significance. Last evaluated: 2020-10-30. Review status: criteria provided, single submitter. Criteria: ACMG Guidelines, 2015. Collection method: clinical testing. Allele origin: germline.

NM_183357.3(ADCY5):c.1534C>T (p.Arg512Cys)

Gene: ADCY5 (adenylate cyclase 5; minus strand). Cytogenetic location: 3q21.1.
Variant type: single nucleotide variant.
Coding change: c.1534C>T on transcript NM_183357.3 (MANE Select); coding-DNA position 1534, C replaced by T.
Protein change: p.Arg512Cys; replaces arginine 512 with cysteine.
Molecular consequence: missense variant.
Genome position (GRCh38, 1-based): chr3:123,331,001, G>A on the plus strand (C>T on the coding strand, the complement: ADCY5 is on the minus strand). VCF-style: chr3-123331001-G-A. GRCh37 (hg19) VCF-style: chr3-123049848-G-A.
Other names: c.484C>T, p.Arg162Cys (NM_001199642.1); c.1534C>T, p.Arg512Cys (NM_001378259.1); short protein forms R162C, R512C.
Identifiers: ClinVar variation 4278662 (VCV004278662.2).